The following is an entry in ClinVar:

NM_018136.5(ASPM):c.4999_5000delinsTT (p.Arg1667Phe)

Gene: ASPM (assembly factor for spindle microtubules; minus strand). Cytogenetic location: 1q31.3.
Variant type: Indel.
Coding change: c.4999_5000delinsTT on transcript NM_018136.5 (MANE Select); coding-DNA positions 4999 to 5000, CG replaced by TT.
Protein change: p.Arg1667Phe; replaces arginine 1667 with phenylalanine.
Molecular consequence: missense variant. On other transcripts: intron variant (1).
Genome position (GRCh38, 1-based): chr1:197,104,251-197,104,252, CG replaced by AA on the plus strand (CG replaced by TT on the coding strand, the reverse complement: ASPM is on the minus strand). VCF-style: chr1-197104251-CG-AA. GRCh37 (hg19) VCF-style: chr1-197073381-CG-AA.
Other names: c.4066-8088_4066-8087delinsTT (NM_001206846.2); short protein forms R1667F.
Identifiers: ClinVar variation 2104291 (VCV002104291.4), dbSNP rs2527303301, ClinGen allele CA2580061891.
Genomic context (GRCh38, chr1:197,104,251, plus strand): 5'-GACTGCAATTTTATTGTAGCATTTTTTAGGCTCAAAAATTCCTTTTTAGAAACATAAGCA[CG>AA]ATAATATGATTGAATCTTTATAACAGATGTGAGGATGTGAATATACATTTTCCTGGCTTG-3'
Protein context (NP_060606.3, residues 1657-1677): TSVIKIQSYY[Arg1667Phe]AYVSKKEFLS

ClinVar aggregate classification (germline): Uncertain significance (1 of 4 stars; one submission).

Submission:

Labcorp Genetics (formerly Invitae), Labcorp
Classification: Uncertain significance. Last evaluated: 2023-08-30. Review status: criteria provided, single submitter. Criteria: Invitae Variant Classification Sherloc (09022015). Collection method: clinical testing. Allele origin: germline.
Comment: ClinVar contains an entry for this variant (Variation ID: 2104291). This sequence change replaces arginine, which is basic and polar, with phenylalanine, which is neutral and non-polar, at codon 1667 of the ASPM protein (p.Arg1667Phe). Information on the frequency of this variant in the gnomAD database is not available, as this variant may be reported differently in the database. This variant has not been reported in the literature in individuals affected with ASPM-related conditions. An algorithm developed to predict the effect of missense changes on protein structure and function (PolyPhen-2) suggests that this variant is likely to be disruptive. In summary, the available evidence is currently insufficient to determine the role of this variant in disease. Therefore, it has been classified as a Variant of Uncertain Significance.